The following is an entry in ClinVar:

ClinVar aggregate classification (germline): Uncertain significance. Review status: criteria provided, multiple submitters, no conflicts (2 of 4 stars). 2 submissions from 2 submitters: Uncertain significance (2). Last evaluated 2023-12-21.

Conditions:
Spermatogenic failure 18. Identifiers: MedGen C4539783, MONDO:0054615, OMIM 617576.
Ciliary dyskinesia, primary, 37 (CILD37). Also called: CILIARY DYSKINESIA, PRIMARY, 37, WITH OR WITHOUT SITUS INVERSUS. Identifiers: MedGen C4539798, MONDO:0033204, OMIM 617577.

Allele frequency attached by ClinVar (database versions not stated): ExAC 0.00002; gnomAD exomes 0.00002; TOPMed 0.00002; gnomAD 0.00003; ESP Exome Variant Server 0.00016.
gnomAD v4.1: 28 of 1,613,682 alleles (0.0017%); highest among the groups gnomAD compares: Non-Finnish European, 0.0023%; no homozygotes.

Submissions (2):

Ambry Genetics
Classification: Uncertain significance. Last evaluated: 2023-12-21. Review status: criteria provided, single submitter. Criteria: Ambry Variant Classification Scheme 2023. Collection method: clinical testing. Allele origin: germline.

Labcorp Genetics (formerly Invitae), Labcorp
Classification: Uncertain significance for Ciliary dyskinesia, primary, 37; Spermatogenic failure 18. Last evaluated: 2022-03-30. Review status: criteria provided, single submitter. Criteria: Invitae Variant Classification Sherloc (09022015). Collection method: clinical testing. Allele origin: germline.
Comment: In summary, the available evidence is currently insufficient to determine the role of this variant in disease. Therefore, it has been classified as a Variant of Uncertain Significance. This sequence change replaces leucine, which is neutral and non-polar, with histidine, which is basic and polar, at codon 3745 of the DNAH1 protein (p.Leu3745His). This variant is present in population databases (rs368268508, gnomAD 0.004%). This variant has not been reported in the literature in individuals affected with DNAH1-related conditions. Algorithms developed to predict the effect of missense changes on protein structure and function are either unavailable or do not agree on the potential impact of this missense change (SIFT: "Deleterious"; PolyPhen-2: "Probably Damaging"; Align-GVGD: "Class C0").

NM_015512.5(DNAH1):c.11234T>A (p.Leu3745His)

Gene: DNAH1 (dynein axonemal heavy chain 1; plus strand). Cytogenetic location: 3p21.1.
Variant type: single nucleotide variant.
Coding change: c.11234T>A on transcript NM_015512.5 (MANE Select); coding-DNA position 11234, T replaced by A.
Protein change: p.Leu3745His; replaces leucine 3745 with histidine.
Molecular consequence: missense variant.
Genome position (GRCh38, 1-based): chr3:52,395,653, T>A. VCF-style: chr3-52395653-T-A. GRCh37 (hg19) VCF-style: chr3-52429669-T-A.
Other names: c.11234T>A (NM_015512.4); short protein forms L3745H.
Identifiers: ClinVar variation 2172627 (VCV002172627.5), dbSNP rs368268508, ClinGen allele CA2436095.
Genomic context (GRCh38, chr3:52,395,653, plus strand): 5'-AATGGGTCTTCTTCCAGAACTGCCACCTGGCACCAAGCTGGATGCCAGCCCTAGAACGCC[T>A]CATCGAGCACATCAACCCCGACAAGGTGTGTTGCCCTGCCCATCACAGACCCAGTGGGGC-3'
Protein context (NP_056327.4, residues 3735-3755): APSWMPALER[Leu3745His]IEHINPDKVH